The following is an entry in ClinVar:

NM_001009944.3(PKD1):c.7992C>T (p.Ile2664=)

Gene: PKD1 (polycystin 1, transient receptor potential channel interacting; minus strand). Cytogenetic location: 16p13.3.
Variant type: single nucleotide variant.
Coding change: c.7992C>T on transcript NM_001009944.3 (MANE Select); coding-DNA position 7992, C replaced by T.
Protein change: p.Ile2664=; no amino-acid change (isoleucine 2664 retained).
Molecular consequence: synonymous variant.
Genome position (GRCh38, 1-based): chr16:2,105,346, G>A on the plus strand (C>T on the coding strand, the complement: PKD1 is on the minus strand). VCF-style: chr16-2105346-G-A. GRCh37 (hg19) VCF-style: chr16-2155347-G-A.
Other names: c.7992C>T, p.Ile2664= (NM_000296.4); c.7992C>T (NM_001009944.2).
Identifiers: ClinVar variation 811861 (VCV000811861.13), dbSNP rs537012440, ClinGen allele CA7830791.

ClinVar aggregate classification (germline): Benign/Likely benign. Review status: criteria provided, multiple submitters, no conflicts (2 of 4 stars). 5 submissions from 5 submitters: Benign (1); Likely benign (3). 1 of the submissions does not count toward it. Last evaluated 2024-11-11.

Conditions:
Polycystic kidney disease, adult type (PKD1). Also called: Polycystic Kidney Disease 1, Autosomal Dominant; Polycystic kidney disease 1; Polycystic kidney disease 1, severe; Polycystic Kidney, Autosomal Dominant; POLYCYSTIC KIDNEY DISEASE, ADULT, TYPE I; POLYCYSTIC KIDNEY DISEASE 1 WITH OR WITHOUT POLYCYSTIC LIVER DISEASE. Identifiers: MedGen C3149841, MONDO:0008263, OMIM 173900.
PKD1-related disorder. Also called: PKD1-related condition.

Allele frequency attached by ClinVar (database versions not stated): 1000 Genomes Project 30x 0.00016; 1000 Genomes Project 0.00020; ExAC 0.00022.
gnomAD v4.1: 197 of 1,592,726 alleles (0.012%); highest among the groups gnomAD compares: South Asian, 0.18%; 1 homozygote.

Submissions (5):

Blueprint Genetics
Classification: Likely benign. Last evaluated: 2024-11-11. Review status: criteria provided, single submitter. Criteria: ACMG Guidelines, 2015. Collection method: clinical testing. Allele origin: germline.

Fulgent Genetics
Classification: Likely benign for Polycystic kidney disease, adult type. Last evaluated: 2021-10-29. Review status: criteria provided, single submitter. Criteria: ACMG Guidelines, 2015. Collection method: clinical testing. Allele origin: unknown.

ARUP Laboratories, Molecular Genetics and Genomics, ARUP Laboratories
Classification: Benign for Polycystic kidney disease, adult type. Last evaluated: 2018-12-20. Review status: criteria provided, single submitter. Criteria: ARUP Molecular Germline Variant Investigation Process. Collection method: clinical testing. Allele origin: germline.

Breakthrough Genomics
Classification: Likely benign. Review status: criteria provided, single submitter. Criteria: ACMG Guidelines, 2015. Collection method: not provided. Allele origin: germline. Inheritance: Autosomal dominant inheritance. Affected: yes.

PreventionGenetics, part of Exact Sciences
Classification: Likely benign for PKD1-related condition. Last evaluated: 2019-04-09. Review status: no assertion criteria provided. Collection method: clinical testing. Allele origin: germline. Not counted in ClinVar's aggregate classification.
Comment: This variant is classified as likely benign based on ACMG/AMP sequence variant interpretation guidelines (Richards et al. 2015 PMID: 25741868, with internal and published modifications).